The following is an entry in ClinVar:

ClinVar aggregate classification (germline): Uncertain significance (1 of 4 stars; one submission).

Conditions:
Combined oxidative phosphorylation defect type 14. Also called: Combined oxidative phosphorylation deficiency 14. Identifiers: Orphanet 319519, MedGen C4755312, MONDO:0013986, OMIM 614946.

Allele frequency attached by ClinVar (database versions not stated): gnomAD exomes 0.00001.
gnomAD v4.1: 4 of 1,612,412 alleles (0.00025%); highest among the groups gnomAD compares: Admixed American, 0.005%; no homozygotes.

Submission:

Labcorp Genetics (formerly Invitae), Labcorp
Classification: Uncertain significance for Combined oxidative phosphorylation defect type 14. Last evaluated: 2022-10-27. Review status: criteria provided, single submitter. Criteria: Invitae Variant Classification Sherloc (09022015). Collection method: clinical testing. Allele origin: germline.
Comment: This sequence change replaces tyrosine, which is neutral and polar, with histidine, which is basic and polar, at codon 188 of the FARS2 protein (p.Tyr188His). This variant is present in population databases (no rsID available, gnomAD 0.006%). This variant has not been reported in the literature in individuals affected with FARS2-related conditions. ClinVar contains an entry for this variant (Variation ID: 1397199). Advanced modeling of protein sequence and biophysical properties (such as structural, functional, and spatial information, amino acid conservation, physicochemical variation, residue mobility, and thermodynamic stability) performed at Invitae indicates that this missense variant is expected to disrupt FARS2 protein function. In summary, the available evidence is currently insufficient to determine the role of this variant in disease. Therefore, it has been classified as a Variant of Uncertain Significance.

NM_006567.5(FARS2):c.562T>C (p.Tyr188His)

Genes: FARS2 (phenylalanyl-tRNA synthetase 2, mitochondrial; plus strand), LOC126859565 (CDK7 strongly-dependent group 2 enhancer GRCh37_chr6:5368745-5369944; plus strand). Cytogenetic location: 6p25.1.
Variant type: single nucleotide variant.
Coding change: c.562T>C on transcript NM_006567.5 (MANE Select); coding-DNA position 562, T replaced by C.
Protein change: p.Tyr188His; replaces tyrosine 188 with histidine.
Molecular consequence: missense variant. On other transcripts: intron variant (2).
Genome position (GRCh38, 1-based): chr6:5,369,132, T>C. VCF-style: chr6-5369132-T-C. GRCh37 (hg19) VCF-style: chr6-5369365-T-C.
Other names: c.562T>C, p.Tyr188His (NM_001318872.2, NM_001374875.1, NM_001374876.1 and 5 more transcripts); c.-340-27501T>C (NM_001375260.1); c.-84-35410T>C (NM_001375259.1); short protein forms Y188H.
Identifiers: ClinVar variation 1397199 (VCV001397199.5), dbSNP rs1434464323, ClinGen allele CA362735547.